The following is an entry in ClinVar:

ClinVar aggregate classification (germline): Uncertain significance (1 of 4 stars; one submission).

Conditions:
MHC class I deficiency. Identifiers: Orphanet 34592, MedGen C6024714, MONDO:0011476.

Submission:

Labcorp Genetics (formerly Invitae), Labcorp
Classification: Uncertain significance for MHC class I deficiency 1. Last evaluated: 2023-05-08. Review status: criteria provided, single submitter. Criteria: Invitae Variant Classification Sherloc (09022015). Collection method: clinical testing. Allele origin: germline.
Comment: This sequence change creates a premature translational stop signal (p.Ala219Leufs*6) in the TAPBP gene. It is expected to result in an absent or disrupted protein product. However, the current clinical and genetic evidence is not sufficient to establish whether loss-of-function variants in TAPBP cause disease. This variant is not present in population databases (gnomAD no frequency). This variant has not been reported in the literature in individuals affected with TAPBP-related conditions. ClinVar contains an entry for this variant (Variation ID: 1941126). In summary, the available evidence is currently insufficient to determine the role of this variant in disease. Therefore, it has been classified as a Variant of Uncertain Significance.

NM_003190.5(TAPBP):c.655del (p.Ala219fs)

Gene: TAPBP (TAP binding protein; minus strand). Cytogenetic location: 6p21.32.
Variant type: Deletion.
Coding change: c.655del on transcript NM_003190.5 (MANE Select); coding-DNA position 655, one base deleted (G; older notation c.655delG).
Protein change: p.Ala219fs; shifts the reading frame from alanine 219.
Molecular consequence: frameshift variant.
Genome position (GRCh38, 1-based): chr6:33,305,202, C deleted on the plus strand (G on the coding strand, the reverse complement: TAPBP is on the minus strand); the first of 2 consecutive C bases (chr6:33,305,202-33,305,203); deleting either gives the same sequence. VCF-style (leftmost placement, unchanged base first): chr6-33305201-GC-G. GRCh37 (hg19) VCF-style: chr6-33272978-GC-G.
Other names: c.654delG, p.Ala219Leufs (NM_001410875.1); c.655del, p.Ala219fs (NM_172208.3); c.394del, p.Ala132fs (NM_172209.3); short protein forms A219fs, A132fs.
Identifiers: ClinVar variation 1941126 (VCV001941126.5), dbSNP rs2536726442, ClinGen allele CA2578584155.